The following is an entry in ClinVar:

ClinVar aggregate classification (germline): Likely benign. Review status: criteria provided, multiple submitters, no conflicts (2 of 4 stars). 4 submissions from 4 submitters: Likely benign (4). Last evaluated 2025-10-08.

Conditions:
Joubert syndrome. Also called: JOUBERT-BOLTSHAUSER SYNDROME; Familial aplasia of the vermis. Identifiers: Orphanet 475, MedGen C5979921, MONDO:0018772.
Meckel-Gruber syndrome. Also called: Dysencephalia splachnocystica; DYSENCEPHALIA SPLANCHNOCYSTICA; GRUBER SYNDROME. Identifiers: Orphanet 564, MedGen C0265215, MONDO:0018921.
Nephronophthisis. Also called: Juvenile Nephronophthisis. Identifiers: Orphanet 655, MedGen C0687120, MONDO:0019005, HP:0000090.
CEP290-related disorder. Also called: CEP290-related condition; CEP290-related disorders. Identifiers: MedGen CN239314.

Allele frequency attached by ClinVar (database versions not stated): gnomAD exomes 0.00001.
gnomAD v4.1: 15 of 1,562,880 alleles (0.00096%); highest among the groups gnomAD compares: Non-Finnish European, 0.0013%; no homozygotes.

Submissions (4):

Labcorp Genetics (formerly Invitae), Labcorp
Classification: Likely benign for Joubert syndrome; Meckel-Gruber syndrome; Nephronophthisis. Last evaluated: 2025-10-08. Review status: criteria provided, single submitter. Criteria: Invitae Variant Classification Sherloc (09022015). Collection method: clinical testing. Allele origin: germline.

PreventionGenetics, part of Exact Sciences
Classification: Likely benign for CEP290-related condition. Last evaluated: 2025-04-28. Review status: criteria provided, single submitter. Criteria: ACMG Guidelines, 2015. Collection method: clinical testing. Allele origin: germline.
Comment: This variant is classified as likely benign based on ACMG/AMP sequence variant interpretation guidelines (Richards et al. 2015 PMID: 25741868, with internal and published modifications).

CeGaT Center for Human Genetics Tuebingen
Classification: Likely benign. Last evaluated: 2024-01-01. Review status: criteria provided, single submitter. Criteria: CeGaT Center For Human Genetics Tuebingen Variant Classification Criteria Version 2. Collection method: clinical testing. Allele origin: germline. Affected: yes. Observed: 1 variant allele.
Comment: CEP290: BP4, BP7

Blueprint Genetics
Classification: Likely benign. Last evaluated: 2023-04-06. Review status: criteria provided, single submitter. Criteria: ACMG Guidelines, 2015. Collection method: clinical testing. Allele origin: germline.

NM_025114.4(CEP290):c.3534G>A (p.Lys1178=)

Gene: CEP290 (centrosomal protein 290; minus strand). Cytogenetic location: 12q21.32.
Variant type: single nucleotide variant.
Coding change: c.3534G>A on transcript NM_025114.4 (MANE Select); coding-DNA position 3534, G replaced by A.
Protein change: p.Lys1178=; no amino-acid change (lysine 1178 retained).
Molecular consequence: synonymous variant.
Genome position (GRCh38, 1-based): chr12:88,090,767, C>T on the plus strand (G>A on the coding strand, the complement: CEP290 is on the minus strand). VCF-style: chr12-88090767-C-T. GRCh37 (hg19) VCF-style: chr12-88484544-C-T.
Other names: c.3534G>A (NM_025114.3).
Identifiers: ClinVar variation 1126855 (VCV001126855.33), dbSNP rs756488924, ClinGen allele CA241165949.